The following is an entry in ClinVar:

NM_020911.2(PLXNA4):c.4660+5G>C

Gene: PLXNA4 (plexin A4; minus strand). Cytogenetic location: 7q32.3.
Variant type: single nucleotide variant.
Coding change: c.4660+5G>C on transcript NM_020911.2 (MANE Select); 5 bases into the intron after coding-DNA position 4660, G replaced by C.
Molecular consequence: intron variant.
Genome position (GRCh38, 1-based): chr7:132,159,468, C>G on the plus strand (G>C on the coding strand, the complement: PLXNA4 is on the minus strand). VCF-style: chr7-132159468-C-G. GRCh37 (hg19) VCF-style: chr7-131844227-C-G.
Other names: c.4660+5G>C (NM_001393897.1).
Identifiers: ClinVar variation 4997358 (VCV004997358.1).
Genomic context (GRCh38, chr7:132,159,468, plus strand): 5'-AGGAGAAGGTGAGGTGTGTTCAGGAGCAGCCACAAGGACAGCCCCTGGGTGGACAGCCTA[C>G]TCACCCAGATCCATATCTGCAGCTTTGGGCCGGTGGGAGCAAGGCACATTCTTGAAGATG-3'

ClinVar aggregate classification (germline): Uncertain significance (1 of 4 stars; one submission).

Conditions:
PLXNA4-related disorder. Also called: PLXNA4-related condition.

gnomAD v4.1: 6 of 1,613,776 alleles (0.00037%); highest among the groups gnomAD compares: Non-Finnish European, 0.00051%; no homozygotes.

Submission:

PreventionGenetics, part of Exact Sciences
Classification: Uncertain significance for PLXNA4-related condition. Last evaluated: 2025-05-22. Review status: criteria provided, single submitter. Criteria: ACMG Guidelines, 2015. Collection method: clinical testing. Allele origin: germline.
Comment: The PLXNA4 c.4660+5G>C variant is predicted to interfere with splicing. This variant is predicted to alter splicing based on available splicing prediction programs (SpliceAI, Jaganathan et al. 2019. PubMed ID: 30661751). However, the use of computer prediction programs is not equivalent to functional evidence. To our knowledge, this variant has not been reported in the literature. This variant is reported in 0.00088% of alleles in individuals of European (Non-Finnish) descent in gnomAD. At this time, the clinical significance of this variant is uncertain due to the absence of conclusive functional and genetic evidence.